The following is an entry in ClinVar:

ClinVar aggregate classification (germline): Uncertain significance (1 of 4 stars; one submission).

Allele frequency attached by ClinVar (database versions not stated): gnomAD exomes below 0.00001.

Submission:

GeneDx
Classification: Uncertain significance. Last evaluated: 2022-05-10. Review status: criteria provided, single submitter. Criteria: GeneDx Variant Classification Process June 2021. Collection method: clinical testing. Allele origin: germline. Affected: yes.
Comment: Not observed at significant frequency in large population cohorts (gnomAD); In silico analysis supports that this missense variant has a deleterious effect on protein structure/function; Has not been previously published as pathogenic or benign to our knowledge

NM_000429.3(MAT1A):c.154G>A (p.Ala52Thr)

Gene: MAT1A (methionine adenosyltransferase 1A; minus strand). Cytogenetic location: 10q22.3.
Variant type: single nucleotide variant.
Coding change: c.154G>A on transcript NM_000429.3 (MANE Select); coding-DNA position 154, G replaced by A.
Protein change: p.Ala52Thr; replaces alanine 52 with threonine.
Molecular consequence: missense variant.
Genome position (GRCh38, 1-based): chr10:80,285,527, C>T on the plus strand (G>A on the coding strand, the complement: MAT1A is on the minus strand). VCF-style: chr10-80285527-C-T. GRCh37 (hg19) VCF-style: chr10-82045283-C-T.
Other names: short protein forms A52T.
Identifiers: ClinVar variation 1723789 (VCV001723789.2), dbSNP rs1841638526, ClinGen allele CA377363709.
Genomic context (GRCh38, chr10:80,285,527, plus strand): 5'-TAGCCCACTTAGGTCTCCAGCAGGGAGGGATCGGGTGTTTCTTACCACAGGCCACCTTGG[C>T]ATTGGGGTCTTGCTTGAGATGGGCATCCAGCACTGCATCACTGATCTGGTCACAGATCTT-3'
Protein context (NP_000420.1, residues 42-62): LDAHLKQDPN[Ala52Thr]KVACETVCKT